The following is an entry in ClinVar:

NC_012920.1(MT-ND6):m.14529C>T

Gene: MT-ND6 (mitochondrially encoded NADH dehydrogenase 6; minus strand).
Variant type: single nucleotide variant.
Genome position: chrM-14529-C-T.
Identifiers: ClinVar variation 693732 (VCV000693732.1), dbSNP rs1603224782, ClinGen allele CA414822906.
Genomic context (GRCh38, chrMT:14,529, plus strand): 5'-ATCCAAAGACAACCATCATTCCCCCTAAATAAATTAAAAAAACTATTAAACCCATATAAC[C>T]TCCCCCAAAATTCAGAATAATAACACACCCGACCACACCGCTAACAATCAATACTAAACC-3'

ClinVar aggregate classification (germline): Likely benign (1 of 4 stars; one submission).

Conditions:
Leigh syndrome (NULS). Also called: Leigh's necrotizing encephalopathy; Leigh's disease; Leigh's syndrome; LEIGH SYNDROME, NUCLEAR; Leigh Syndrome (mtDNA deletion); Leigh Disease. Identifiers: Orphanet 506, MedGen C2931891, MONDO:0009723, OMIM 256000.

Submission:

Wong Mito Lab, Molecular and Human Genetics, Baylor College of Medicine
Classification: Likely benign for Leigh syndrome. Last evaluated: 2019-10-17. Review status: criteria provided, single submitter. Criteria: Modified ACMG Guidelines (Unpublished). Collection method: clinical testing. Allele origin: germline.
Comment: The NC_012920.1:m.14529C>T (YP_003024037.1:p.Gly49Ser) variant in MTND6 gene is interpretated to be a Likely Benign variant based on the modified ACMG guidelines (unpublished). This variant meets the following evidence codes: BS4, BP4